The following is an entry in ClinVar:

NM_001002295.2(GATA3):c.373G>A (p.Gly125Ser)

Gene: GATA3 (GATA binding protein 3; plus strand). Cytogenetic location: 10p14.
Variant type: single nucleotide variant.
Coding change: c.373G>A on transcript NM_001002295.2 (MANE Select); coding-DNA position 373, G replaced by A.
Protein change: p.Gly125Ser; replaces glycine 125 with serine.
Molecular consequence: missense variant.
Genome position (GRCh38, 1-based): chr10:8,058,436, G>A. VCF-style: chr10-8058436-G-A. GRCh37 (hg19) VCF-style: chr10-8100399-G-A.
Other names: c.373G>A, p.Gly125Ser (NM_002051.3); short protein forms G125S.
Identifiers: ClinVar variation 2870009 (VCV002870009.4), dbSNP rs535492085, ClinGen allele CA5404350.
Genomic context (GRCh38, chr10:8,058,436, plus strand): 5'-AGCCACCACACCGCCTCCCCCTGGAATCTCAGCCCCTTCTCCAAGACGTCCATCCACCAC[G>A]GCTCCCCGGGGCCCCTCTCCGTCTACCCCCCGGCCTCGTCCTCCTCCTTGTCGGGGGGCC-3'
Protein context (NP_001002295.1, residues 115-135): SPFSKTSIHH[Gly125Ser]SPGPLSVYPP

ClinVar aggregate classification (germline): Uncertain significance. Review status: criteria provided, multiple submitters, no conflicts (2 of 4 stars). 2 submissions from 2 submitters: Uncertain significance (2). Last evaluated 2026-01-11.

Conditions:
Hypoparathyroidism, deafness, renal disease syndrome (HDRS). Also called: HYPOPARATHYROIDISM, SENSORINEURAL DEAFNESS, AND RENAL DYSPLASIA SYNDROME. Identifiers: Orphanet 2237, MedGen C1840333, MONDO:0007797, OMIM 146255.

Allele frequency attached by ClinVar (database versions not stated): TOPMed 0.00001; gnomAD 0.00002; 1000 Genomes Project 30x 0.00016; 1000 Genomes Project 0.00020.
gnomAD v4.1: 25 of 1,612,824 alleles (0.0016%); highest among the groups gnomAD compares: African/African-American, 0.0053%; no homozygotes.

Submissions (2):

Labcorp Genetics (formerly Invitae), Labcorp
Classification: Uncertain significance. Last evaluated: 2026-01-11. Review status: criteria provided, single submitter. Criteria: Invitae Variant Classification Sherloc (09022015). Collection method: clinical testing. Allele origin: germline.
Comment: This sequence change replaces glycine, which is neutral and non-polar, with serine, which is neutral and polar, at codon 125 of the GATA3 protein (p.Gly125Ser). This variant is not present in population databases (gnomAD no frequency). This variant has not been reported in the literature in individuals affected with GATA3-related conditions. ClinVar contains an entry for this variant (Variation ID: 2870009). Invitae Evidence Modeling of protein sequence and biophysical properties (such as structural, functional, and spatial information, amino acid conservation, physicochemical variation, residue mobility, and thermodynamic stability) indicates that this missense variant is not expected to disrupt GATA3 protein function with a negative predictive value of 80%. In summary, the available evidence is currently insufficient to determine the role of this variant in disease. Therefore, it has been classified as a Variant of Uncertain Significance.

Department of Pathology and Laboratory Medicine, Sinai Health System
Classification: Uncertain significance for Hypoparathyroidism, deafness, renal disease syndrome. Last evaluated: 2022-12-21. Review status: criteria provided, single submitter. Criteria: ACMG Guidelines, 2015. Collection method: research. Allele origin: germline.